The following is an entry in ClinVar:

NM_002103.5(GYS1):c.1078C>A (p.Gln360Lys)

Gene: GYS1 (glycogen synthase 1; minus strand). Cytogenetic location: 19q13.33.
Variant type: single nucleotide variant.
Coding change: c.1078C>A on transcript NM_002103.5 (MANE Select); coding-DNA position 1078, C replaced by A.
Protein change: p.Gln360Lys; replaces glutamine 360 with lysine.
Molecular consequence: missense variant. On other transcripts: non-coding transcript variant (1).
Genome position (GRCh38, 1-based): chr19:48,981,621, G>T on the plus strand (C>A on the coding strand, the complement: GYS1 is on the minus strand). VCF-style: chr19-48981621-G-T. GRCh37 (hg19) VCF-style: chr19-49484878-G-T.
Other names: c.886C>A, p.Gln296Lys (NM_001161587.2); short protein forms Q296K, Q360K.
Identifiers: ClinVar variation 894178 (VCV000894178.7), dbSNP rs1003071543, ClinGen allele CA309395169.

ClinVar aggregate classification (germline): Uncertain significance. Review status: criteria provided, multiple submitters, no conflicts (2 of 4 stars). 4 submissions from 4 submitters: Uncertain significance (4). Last evaluated 2024-08-29.

Conditions:
Inborn genetic diseases. Identifiers: MedGen C0950123, MeSH D030342.
Glycogen storage disease due to muscle and heart glycogen synthase deficiency. Also called: GSD 0b; MUSCLE GLYCOGEN SYNTHASE DEFICIENCY. Identifiers: Orphanet 137625, MedGen C1969054, MONDO:0012693, OMIM 611556.

Allele frequency attached by ClinVar (database versions not stated): gnomAD exomes 0.00001; gnomAD 0.00006; TOPMed 0.00022.
gnomAD v4.1: 19 of 1,610,058 alleles (0.0012%); highest among the groups gnomAD compares: Admixed American, 0.022%; no homozygotes.

Submissions (4):

GeneDx
Classification: Uncertain significance. Last evaluated: 2024-08-29. Review status: criteria provided, single submitter. Criteria: GeneDx Variant Classification Process June 2021. Collection method: clinical testing. Allele origin: germline. Affected: yes.
Comment: Not observed at significant frequency in large population cohorts (gnomAD); In silico analysis indicates that this missense variant does not alter protein structure/function; Has not been previously published as pathogenic or benign to our knowledge

Ambry Genetics
Classification: Uncertain significance for Inborn genetic diseases. Last evaluated: 2023-12-22. Review status: criteria provided, single submitter. Criteria: Ambry Variant Classification Scheme 2023. Collection method: clinical testing. Allele origin: germline.

Illumina Laboratory Services, Illumina
Classification: Uncertain significance for Glycogen storage disease due to muscle and heart glycogen synthase deficiency. Last evaluated: 2018-01-13. Review status: criteria provided, single submitter. Criteria: ICSL Variant Classification Criteria 13 December 2019. Collection method: clinical testing. Allele origin: germline.

Breakthrough Genomics
Classification: Uncertain significance. Review status: criteria provided, single submitter. Criteria: ACMG Guidelines, 2015. Collection method: not provided. Allele origin: germline. Inheritance: Autosomal dominant inheritance. Affected: yes.